The following is an entry in ClinVar:

NM_001130004.2(ACTN1):c.2201A>G (p.Gln734Arg)

Gene: ACTN1 (actinin alpha 1; minus strand). Cytogenetic location: 14q24.1.
Variant type: single nucleotide variant.
Coding change: c.2201A>G on transcript NM_001130004.2 (MANE Select); coding-DNA position 2201, A replaced by G.
Protein change: p.Gln734Arg; replaces glutamine 734 with arginine.
Molecular consequence: missense variant.
Genome position (GRCh38, 1-based): chr14:68,880,041, T>C on the plus strand (A>G on the coding strand, the complement: ACTN1 is on the minus strand). VCF-style: chr14-68880041-T-C. GRCh37 (hg19) VCF-style: chr14-69346758-T-C.
Other names: p.Gln734Arg; c.2201A>G (NM_001130004.1); c.2201A>G, p.Gln734Arg (NM_001102.4, NM_001130005.2); short protein forms Q734R.
Identifiers: ClinVar variation 517137 (VCV000517137.6), dbSNP rs1555343284, ClinGen allele CA390181698.

ClinVar aggregate classification (germline): Conflicting classifications of pathogenicity. Review status: criteria provided, conflicting classifications (1 of 4 stars). 4 submissions from 4 submitters: Likely pathogenic (1); Uncertain significance (3). Last evaluated 2025-10-03.

Conditions:
Platelet-type bleeding disorder 15 (BDPLT15). Also called: MACROTHROMBOCYTOPENIA, AUTOSOMAL DOMINANT, ACTN1-RELATED. Identifiers: Orphanet 140957, MedGen C3554663, MONDO:0014078, OMIM 615193.

Allele frequency attached by ClinVar (database versions not stated): TOPMed below 0.00001.

Submissions (4):

Mayo Clinic Laboratories, Mayo Clinic
Classification: Uncertain significance. Last evaluated: 2025-10-03. Review status: criteria provided, single submitter. Criteria: ACMG Guidelines, 2015. Collection method: clinical testing. Allele origin: germline. Observed: 1 variant allele.
Comment: PP2, PM2_supporting

Labcorp Genetics (formerly Invitae), Labcorp
Classification: Uncertain significance. Last evaluated: 2024-07-31. Review status: criteria provided, single submitter. Criteria: Invitae Variant Classification Sherloc (09022015). Collection method: clinical testing. Allele origin: germline.
Comment: This sequence change replaces glutamine, which is neutral and polar, with arginine, which is basic and polar, at codon 734 of the ACTN1 protein (p.Gln734Arg). This variant is not present in population databases (gnomAD no frequency). This variant has not been reported in the literature in individuals affected with ACTN1-related conditions. ClinVar contains an entry for this variant (Variation ID: 517137). An algorithm developed to predict the effect of missense changes on protein structure and function (PolyPhen-2) suggests that this variant is likely to be tolerated. In summary, the available evidence is currently insufficient to determine the role of this variant in disease. Therefore, it has been classified as a Variant of Uncertain Significance.

GeneDx
Classification: Uncertain significance. Last evaluated: 2024-06-28. Review status: criteria provided, single submitter. Criteria: GeneDx Variant Classification Process June 2021. Collection method: clinical testing. Allele origin: germline. Affected: yes.
Comment: Not observed at significant frequency in large population cohorts (gnomAD); In silico analysis supports that this missense variant has a deleterious effect on protein structure/function; Has not been previously published as pathogenic or benign to our knowledge

HudsonAlpha Institute for Biotechnology
Classification: Likely pathogenic for Platelet-type bleeding disorder 15. Last evaluated: 2017-11-28. Review status: criteria provided, single submitter. Criteria: HA_AGHI_assertions_20171208. Collection method: research. Allele origin: paternal. Affected: yes. Observed: 1 variant allele. Study: AGHI-WGS-HudsonAlpha.